The following is an entry in ClinVar:

ClinVar aggregate classification (germline): Uncertain significance. Review status: criteria provided, multiple submitters, no conflicts (2 of 4 stars). 2 submissions from 2 submitters: Uncertain significance (2). Last evaluated 2025-05-04.

Conditions:
POLD1-related polyposis and colorectal cancer syndrome (CRCS10). Also called: Colorectal cancer 10; COLORECTAL CANCER, SUSCEPTIBILITY TO, ON CHROMOSOME 19q; Colorectal cancer, susceptibility to, 10. Identifiers: Orphanet 220460, MedGen C2675481, MONDO:0012953, OMIM 612591.
Hereditary cancer-predisposing syndrome. Also called: Tumor predisposition; Hereditary Cancer Syndrome; Hereditary neoplastic syndrome; Neoplastic Syndromes, Hereditary. Identifiers: Orphanet 140162, MedGen C0027672, MeSH D009386, MONDO:0015356.

Submissions (2):

Ambry Genetics
Classification: Uncertain significance for Hereditary cancer-predisposing syndrome. Last evaluated: 2025-05-04. Review status: criteria provided, single submitter. Criteria: Ambry Variant Classification Scheme 2023. Collection method: clinical testing. Allele origin: germline.
Comment: The c.1687-1G>A intronic variant results from a G to A substitution one nucleotide upstream from coding exon 13 of the POLD1 gene. This nucleotide position is highly conserved in available vertebrate species. In silico splice site analysis predicts that this alteration will weaken the native splice acceptor site and will result in the creation or strengthening of a novel splice acceptor site. Alterations that disrupt the canonical splice site are expected to cause aberrant splicing, resulting in an abnormal protein or a transcript that is subject to nonsense-mediated mRNA decay. However, loss of function of POLD1 has not been established as a mechanism of disease. Based on the available evidence, the clinical significance of this alteration remains unclear.

Labcorp Genetics (formerly Invitae), Labcorp
Classification: Uncertain significance for POLD1-related polyposis and colorectal cancer syndrome. Last evaluated: 2023-02-14. Review status: criteria provided, single submitter. Criteria: Invitae Variant Classification Sherloc (09022015). Collection method: clinical testing. Allele origin: germline.
Comment: In summary, the available evidence is currently insufficient to determine the role of this variant in disease. Therefore, it has been classified as a Variant of Uncertain Significance. Algorithms developed to predict the effect of sequence changes on RNA splicing suggest that this variant may disrupt the consensus splice site. ClinVar contains an entry for this variant (Variation ID: 484394). This variant has not been reported in the literature in individuals affected with POLD1-related conditions. This variant is not present in population databases (gnomAD no frequency). This sequence change affects an acceptor splice site in intron 13 of the POLD1 gene. Missense variants that disrupt the 3'-5' exonuclease (proof-reading) activity of the POLD1 protein are associated with PPAP (polymerase proofreading–associated polyposis) (PMID: 23263490, 23447401). However, loss-of-function variants that result in an absent or severely disrupted POLD1 protein, and missense variants outside the exonuclease domain, are unlikely to be associated with PPAP.

Literature cited by the submitters: PubMed 23263490 (cited by Labcorp Genetics (formerly Invitae), Labcorp); PubMed 23447401 (cited by Labcorp Genetics (formerly Invitae), Labcorp).

NM_002691.4(POLD1):c.1687-1G>A

Gene: POLD1 (DNA polymerase delta 1, catalytic subunit; plus strand). Cytogenetic location: 19q13.33.
Variant type: single nucleotide variant.
Coding change: c.1687-1G>A on transcript NM_002691.4 (MANE Select); the canonical splice acceptor site of the intron before coding-DNA position 1687, G replaced by A.
Molecular consequence: splice acceptor variant.
Genome position (GRCh38, 1-based): chr19:50,407,326, G>A. VCF-style: chr19-50407326-G-A. GRCh37 (hg19) VCF-style: chr19-50910583-G-A.
Other names: c.1687-1G>A (NM_001256849.1, NM_001308632.1).
Identifiers: ClinVar variation 484394 (VCV000484394.12), dbSNP rs1555791492, ClinGen allele CA406981153.
Genomic context (GRCh38, chr19:50,407,326, plus strand): 5'-CACTCCCAATCCGCACGGCCCCACCTATACCCACTCCATTTCCCACCTTCTCCCCTCCCA[G>A]GCCATGCACGAGGGGCTGCTGATGCCCGTGGTGAAGTCAGAGGGCGGCGAGGACTACACG-3'